The following is an entry in ClinVar:

ClinVar aggregate classification (germline): Uncertain significance (1 of 4 stars; one submission).

gnomAD v4.1: 3 of 1,171,890 alleles (0.00026%); highest among the groups gnomAD compares: Non-Finnish European, 0.00031%; no homozygotes.

Submission:

Labcorp Genetics (formerly Invitae), Labcorp
Classification: Uncertain significance. Last evaluated: 2025-04-24. Review status: criteria provided, single submitter. Criteria: Invitae Variant Classification Sherloc (09022015). Collection method: clinical testing. Allele origin: germline.
Comment: This sequence change replaces alanine, which is neutral and non-polar, with threonine, which is neutral and polar, at codon 15 of the ROR1 protein (p.Ala15Thr). This variant is not present in population databases (gnomAD no frequency). This variant has not been reported in the literature in individuals affected with ROR1-related conditions. Experimental studies and prediction algorithms are not available or were not evaluated, and the functional significance of this variant is currently unknown. In summary, the available evidence is currently insufficient to determine the role of this variant in disease. Therefore, it has been classified as a Variant of Uncertain Significance.

NM_005012.4(ROR1):c.43G>A (p.Ala15Thr)

Gene: ROR1 (receptor tyrosine kinase like orphan receptor 1; plus strand). Cytogenetic location: 1p31.3.
Variant type: single nucleotide variant.
Coding change: c.43G>A on transcript NM_005012.4 (MANE Select); coding-DNA position 43, G replaced by A.
Protein change: p.Ala15Thr; replaces alanine 15 with threonine.
Molecular consequence: missense variant.
Genome position (GRCh38, 1-based): chr1:63,774,460, G>A. VCF-style: chr1-63774460-G-A. GRCh37 (hg19) VCF-style: chr1-64240131-G-A.
Other names: c.43G>A, p.Ala15Thr (NM_001083592.2); short protein forms A15T.
Identifiers: ClinVar variation 4766034 (VCV004766034.1).
Genomic context (GRCh38, chr1:63,774,460, plus strand): 5'-GCCTCAGCGAGAGGAGGAATGCACCGGCCGCGCCGCCGCGGGACGCGCCCGCCGCTCCTG[G>A]CGCTGCTGGCCGCGCTGCTGCTGGCCGCACGCGGGGCTGCTGCCCAAGGTAAGAGGCGCC-3'
Protein context (NP_005003.2, residues 5-25): RRRGTRPPLL[Ala15Thr]LLAALLLAAR